The following is an entry in ClinVar:

NM_000742.4(CHRNA2):c.527C>T (p.Pro176Leu)

Gene: CHRNA2 (cholinergic receptor nicotinic alpha 2 subunit; minus strand). Cytogenetic location: 8p21.2.
Variant type: single nucleotide variant.
Coding change: c.527C>T on transcript NM_000742.4 (MANE Select); coding-DNA position 527, C replaced by T.
Protein change: p.Pro176Leu; replaces proline 176 with leucine.
Molecular consequence: missense variant. On other transcripts: intron variant (2).
Genome position (GRCh38, 1-based): chr8:27,463,916, G>A on the plus strand (C>T on the coding strand, the complement: CHRNA2 is on the minus strand). VCF-style: chr8-27463916-G-A. GRCh37 (hg19) VCF-style: chr8-27321433-G-A.
Other names: c.482C>T, p.Pro161Leu (NM_001282455.2); c.50C>T, p.Pro17Leu (NM_001347705.2, NM_001347706.2); c.-12-56C>T (NM_001347708.2); c.-9-59C>T (NM_001347707.2); short protein forms P161L, P176L, P17L.
Identifiers: ClinVar variation 1023336 (VCV001023336.5), dbSNP rs769273715, ClinGen allele CA370811409.

ClinVar aggregate classification (germline): Uncertain significance (1 of 4 stars; one submission).

Conditions:
Familial sleep-related hypermotor epilepsy. Also called: Autosomal Dominant Sleep-Related Hypermotor (Hyperkinetic) Epilepsy. Identifiers: Orphanet 98784, MedGen C3696898, MONDO:0000030.

Allele frequency attached by ClinVar (database versions not stated): gnomAD 0.00001; TOPMed 0.00002.
gnomAD v4.1: 11 of 1,613,990 alleles (0.00068%); highest among the groups gnomAD compares: African/African-American, 0.004%; no homozygotes.

Submission:

Labcorp Genetics (formerly Invitae), Labcorp
Classification: Uncertain significance. Last evaluated: 2025-02-19. Review status: criteria provided, single submitter. Criteria: Invitae Variant Classification Sherloc (09022015). Collection method: clinical testing. Allele origin: germline.
Comment: This sequence change replaces proline, which is neutral and non-polar, with leucine, which is neutral and non-polar, at codon 176 of the CHRNA2 protein (p.Pro176Leu). This variant is present in population databases (no rsID available, gnomAD 0.0009%). This variant has not been reported in the literature in individuals affected with CHRNA2-related conditions. This missense change has been observed in at least one individual who was not affected with CHRNA2-related conditions (internal data). ClinVar contains an entry for this variant (Variation ID: 1023336). Invitae Evidence Modeling of protein sequence and biophysical properties (such as structural, functional, and spatial information, amino acid conservation, physicochemical variation, residue mobility, and thermodynamic stability) indicates that this missense variant is expected to disrupt CHRNA2 protein function with a positive predictive value of 80%. In summary, the available evidence is currently insufficient to determine the role of this variant in disease. Therefore, it has been classified as a Variant of Uncertain Significance.